The following is an entry in ClinVar:

ClinVar aggregate classification (germline): Uncertain significance (1 of 4 stars; one submission).

Conditions:
Adenylosuccinate lyase deficiency (ADSLD). Also called: ADSL DEFICIENCY. Identifiers: Orphanet 46, MedGen C0268126, MONDO:0007068, OMIM 103050.

Submission:

Labcorp Genetics (formerly Invitae), Labcorp
Classification: Uncertain significance for Adenylosuccinate lyase deficiency. Last evaluated: 2024-08-31. Review status: criteria provided, single submitter. Criteria: Invitae Variant Classification Sherloc (09022015). Collection method: clinical testing. Allele origin: germline.
Comment: This sequence change replaces glutamine, which is neutral and polar, with arginine, which is basic and polar, at codon 409 of the ADSL protein (p.Gln409Arg). This variant is not present in population databases (gnomAD no frequency). This variant has not been reported in the literature in individuals affected with ADSL-related conditions. Invitae Evidence Modeling of protein sequence and biophysical properties (such as structural, functional, and spatial information, amino acid conservation, physicochemical variation, residue mobility, and thermodynamic stability) indicates that this missense variant is not expected to disrupt ADSL protein function with a negative predictive value of 80%. In summary, the available evidence is currently insufficient to determine the role of this variant in disease. Therefore, it has been classified as a Variant of Uncertain Significance.

NM_000026.4(ADSL):c.1226A>G (p.Gln409Arg)

Gene: ADSL (adenylosuccinate lyase; plus strand). Cytogenetic location: 22q13.1.
Variant type: single nucleotide variant.
Coding change: c.1226A>G on transcript NM_000026.4 (MANE Select); coding-DNA position 1226, A replaced by G.
Protein change: p.Gln409Arg; replaces glutamine 409 with arginine.
Molecular consequence: missense variant. On other transcripts: non-coding transcript variant (1), intron variant (2).
Genome position (GRCh38, 1-based): chr22:40,364,914, A>G. VCF-style: chr22-40364914-A-G. GRCh37 (hg19) VCF-style: chr22-40760918-A-G.
Other names: c.1034A>G, p.Gln345Arg (NM_001317923.2); c.1226A>G, p.Gln409Arg (NM_001363840.3, NM_001410812.1); c.1181A>G, p.Gln394Arg (NM_001410814.1); c.1191+549A>G (NM_001123378.3, NM_001410816.1); short protein forms Q345R, Q394R, Q409R.
Identifiers: ClinVar variation 3664090 (VCV003664090.2).